The following is an entry in ClinVar:

ClinVar aggregate classification (germline): Pathogenic (1 of 4 stars; one submission).

Conditions:
Glycogen storage disease, type V (GSD5). Also called: MCARDLE DISEASE; MUSCLE GLYCOGEN PHOSPHORYLASE DEFICIENCY; MYOPHOSPHORYLASE DEFICIENCY; PYGM DEFICIENCY; McArdle type glycogen storage disease. Identifiers: Orphanet 368, MedGen C0017924, MONDO:0009293, OMIM 232600.

Submission:

Myriad Genetics, Inc.
Classification: Pathogenic for Glycogen storage disease, type V. Last evaluated: 2024-09-28. Review status: criteria provided, single submitter. Criteria: Myriad Autosomal Dominant, Autosomal Recessive and X-Linked Classification Criteria (2023). Collection method: clinical testing. Allele origin: unknown.
Comment: NM_005609.2(PYGM):c.1737delC(N580Tfs*25) is expected to be pathogenic in the context of glycogen storage disease, PYGM-related. This variant is predicted to lead to an abnormal or absent protein product due to the creation of a premature termination codon in PYGM, a gene where loss-of-function variants are known to be pathogenic. Please note: this variant was assessed in the context of healthy population screening.

NM_005609.4(PYGM):c.1737del (p.Asn580fs)

Gene: PYGM (glycogen phosphorylase, muscle associated; minus strand). Cytogenetic location: 11q13.1.
Variant type: Deletion.
Coding change: c.1737del on transcript NM_005609.4 (MANE Select); coding-DNA position 1737, one base deleted (C; older notation c.1737delC).
Protein change: p.Asn580fs; shifts the reading frame from asparagine 580.
Molecular consequence: frameshift variant.
Genome position (GRCh38, 1-based): chr11:64,751,955, G deleted on the plus strand (C on the coding strand, the reverse complement: PYGM is on the minus strand). VCF-style (leftmost placement, unchanged base first): chr11-64751954-TG-T. GRCh37 (hg19) VCF-style: chr11-64519426-TG-T.
Other names: c.1473del, p.Asn492fs (NM_001164716.1); short protein forms N492fs, N580fs.
Identifiers: ClinVar variation 5013590 (VCV005013590.1).